The following is an entry in ClinVar:

ClinVar aggregate classification (germline): Pathogenic (1 of 4 stars; one submission).

gnomAD v4.1: 6 of 1,613,658 alleles (0.00037%); highest among the groups gnomAD compares: Admixed American, 0.0083%; no homozygotes.

Submission:

Labcorp Genetics (formerly Invitae), Labcorp
Classification: Pathogenic. Last evaluated: 2024-10-10. Review status: criteria provided, single submitter. Criteria: Invitae Variant Classification Sherloc (09022015). Collection method: clinical testing. Allele origin: germline.
Comment: This sequence change creates a premature translational stop signal (p.Cys245*) in the CLCNKB gene. It is expected to result in an absent or disrupted protein product. Loss-of-function variants in CLCNKB are known to be pathogenic (PMID: 24830959, 26920127, 28381550, 29254190). This variant is present in population databases (rs778026556, gnomAD 0.01%). This variant has not been reported in the literature in individuals affected with CLCNKB-related conditions. For these reasons, this variant has been classified as Pathogenic.

Literature cited by the submitters: PubMed 24830959; PubMed 26920127; PubMed 28381550; PubMed 29254190.

NM_000085.5(CLCNKB):c.735C>A (p.Cys245Ter)

Genes: CLCNKB (chloride voltage-gated channel Kb; plus strand), LOC106501713 (CLCNKB recombination region; plus strand). Cytogenetic location: 1p36.13.
Variant type: single nucleotide variant.
Coding change: c.735C>A on transcript NM_000085.5 (MANE Select); coding-DNA position 735, C replaced by A.
Protein change: p.Cys245Ter; replaces cysteine 245 with a stop codon.
Molecular consequence: nonsense.
Genome position (GRCh38, 1-based): chr1:16,049,199, C>A. VCF-style: chr1-16049199-C-A. GRCh37 (hg19) VCF-style: chr1-16375694-C-A.
Other names: c.228C>A, p.Cys76Ter (NM_001165945.2); short protein forms C245*, C76*.
Identifiers: ClinVar variation 3714992 (VCV003714992.2).